The following is an entry in ClinVar:

ClinVar aggregate classification (germline): Uncertain significance (1 of 4 stars; one submission).

Submission:

Labcorp Genetics (formerly Invitae), Labcorp
Classification: Uncertain significance. Last evaluated: 2023-10-06. Review status: criteria provided, single submitter. Criteria: Invitae Variant Classification Sherloc (09022015). Collection method: clinical testing. Allele origin: germline.
Comment: This sequence change replaces aspartic acid, which is acidic and polar, with tyrosine, which is neutral and polar, at codon 223 of the PPP2CA protein (p.Asp223Tyr). This variant is not present in population databases (gnomAD no frequency). This variant has not been reported in the literature in individuals affected with PPP2CA-related conditions. Advanced modeling of protein sequence and biophysical properties (such as structural, functional, and spatial information, amino acid conservation, physicochemical variation, residue mobility, and thermodynamic stability) performed at Invitae indicates that this missense variant is expected to disrupt PPP2CA protein function. This variant disrupts the p.Asp223 amino acid residue in PPP2CA. Other variant(s) that disrupt this residue have been determined to be pathogenic (PMID: 30595372). This suggests that this residue is clinically significant, and that variants that disrupt this residue are likely to be disease-causing. In summary, the available evidence is currently insufficient to determine the role of this variant in disease. Therefore, it has been classified as a Variant of Uncertain Significance.

Literature cited by the submitters: PubMed 30595372.

NM_002715.4(PPP2CA):c.667G>T (p.Asp223Tyr)

Gene: PPP2CA (protein phosphatase 2 catalytic subunit alpha; minus strand). Cytogenetic location: 5q31.1.
Variant type: single nucleotide variant.
Coding change: c.667G>T on transcript NM_002715.4 (MANE Select); coding-DNA position 667, G replaced by T.
Protein change: p.Asp223Tyr; replaces aspartic acid 223 with tyrosine.
Molecular consequence: missense variant. On other transcripts: non-coding transcript variant (1).
Genome position (GRCh38, 1-based): chr5:134,200,406, C>A on the plus strand (G>T on the coding strand, the complement: PPP2CA is on the minus strand). VCF-style: chr5-134200406-C-A. GRCh37 (hg19) VCF-style: chr5-133536097-C-A.
Other names: c.472G>T, p.Asp158Tyr (NM_001355019.2); short protein forms D158Y, D223Y.
Identifiers: ClinVar variation 2766376 (VCV002766376.3), dbSNP rs1580636668, ClinGen allele CA360999085.